The following is an entry in ClinVar:

ClinVar aggregate classification (germline): Likely pathogenic. Review status: criteria provided, single submitter (1 of 4 stars). 3 submissions from 3 submitters: Likely pathogenic (1). 2 of the submissions do not count toward it. Last evaluated 2024-06-12.

Conditions:
Mucopolysaccharidosis, MPS-III-B (MPS3B). Also called: SANFILIPPO SYNDROME B; MPS III B; MUCOPOLYSACCHARIDOSIS, TYPE IIIB; Mucopolysaccharidosis type IIIB (Sanfilippo B); MPS IIIB (Sanfilippo Syndrome Type B); N-ACETYL-ALPHA-D-GLUCOSAMINIDASE DEFICIENCY. Identifiers: Orphanet 79270, MedGen C0086648, MONDO:0009656, OMIM 252920.
Charcot-Marie-Tooth disease axonal type 2V. Also called: CHARCOT-MARIE-TOOTH NEUROPATHY, TYPE 2V; CHARCOT-MARIE-TOOTH DISEASE, AXONAL, AUTOSOMAL DOMINANT, TYPE 2V. Identifiers: Orphanet 447964, MedGen C5569050, MONDO:0014665, OMIM 616491.
Mucopolysaccharidosis. Also called: Mucopolysaccharidoses. Identifiers: Orphanet 79213, MedGen C0026703, MeSH D009083, MONDO:0019249.

gnomAD v4.1: 19 of 1,613,216 alleles (0.0012%); highest among the groups gnomAD compares: Non-Finnish European, 0.0015%; no homozygotes.

Submissions (3):

Labcorp Genetics (formerly Invitae), Labcorp
Classification: Likely pathogenic for Charcot-Marie-Tooth disease axonal type 2V; Mucopolysaccharidosis, MPS-III-B. Last evaluated: 2024-06-12. Review status: criteria provided, single submitter. Criteria: Invitae Variant Classification Sherloc (09022015). Collection method: clinical testing. Allele origin: germline.
Comment: This sequence change replaces valine, which is neutral and non-polar, with phenylalanine, which is neutral and non-polar, at codon 334 of the NAGLU protein (p.Val334Phe). This variant is not present in population databases (gnomAD no frequency). This missense change has been observed in individual(s) with mucopolysaccharidosis type III (PMID: 10094189). ClinVar contains an entry for this variant (Variation ID: 553204). Advanced modeling of protein sequence and biophysical properties (such as structural, functional, and spatial information, amino acid conservation, physicochemical variation, residue mobility, and thermodynamic stability) performed at Invitae indicates that this missense variant is expected to disrupt NAGLU protein function with a positive predictive value of 95%. This variant disrupts the p.Val334 amino acid residue in NAGLU. Other variant(s) that disrupt this residue have been observed in individuals with NAGLU-related conditions (PMID: 10094189, 33747789), which suggests that this may be a clinically significant amino acid residue. In summary, the currently available evidence indicates that the variant is pathogenic, but additional data are needed to prove that conclusively. Therefore, this variant has been classified as Likely Pathogenic.

Counsyl
Classification: Uncertain significance for Mucopolysaccharidosis, MPS-III-B. Last evaluated: 2017-08-07. Review status: no assertion criteria provided. Collection method: clinical testing. Allele origin: unknown. Not counted in ClinVar's aggregate classification.

GeneReviews
No classification provided. Condition: Mucopolysaccharidosis. Review status: no classification provided. Collection method: literature only. Allele origin: germline. Not counted in ClinVar's aggregate classification.

Literature cited by the submitters: PubMed 10094189 (cited by 3 submitters); PubMed 33747789 (cited by Labcorp Genetics (formerly Invitae), Labcorp); PubMed 9443875 (cited by GeneReviews); PubMed 20852935 (cited by GeneReviews); PubMed 31536183 (cited by GeneReviews).

NM_000263.4(NAGLU):c.1000G>T (p.Val334Phe)

Gene: NAGLU (N-acetyl-alpha-glucosaminidase; plus strand). Cytogenetic location: 17q21.2.
Variant type: single nucleotide variant.
Coding change: c.1000G>T on transcript NM_000263.4 (MANE Select); coding-DNA position 1000, G replaced by T.
Protein change: p.Val334Phe; replaces valine 334 with phenylalanine.
Molecular consequence: missense variant.
Genome position (GRCh38, 1-based): chr17:42,541,185, G>T. VCF-style: chr17-42541185-G-T. GRCh37 (hg19) VCF-style: chr17-40693203-G-T.
Other names: short protein forms V334F.
Identifiers: ClinVar variation 553204 (VCV000553204.10), dbSNP rs749140168, ClinGen allele CA290778808.